The following is an entry in ClinVar:

ClinVar aggregate classification (germline): Uncertain significance (1 of 4 stars; one submission).

Conditions:
BBS4-related disorder. Also called: BBS4-related condition.

Submission:

PreventionGenetics, part of Exact Sciences
Classification: Uncertain significance for BBS4-related condition. Last evaluated: 2024-12-04. Review status: criteria provided, single submitter. Criteria: ACMG Guidelines, 2015. Collection method: clinical testing. Allele origin: germline.
Comment: The BBS4 c.76+5_76+6delGT variant is predicted to result in an intronic deletion. This variant is predicted to reduce the strength of the canonical splice donor site based on available splicing prediction programs (SpliceAI, Jaganathan et al. 2019. PubMed ID: 30661751). However, the use of computer prediction programs is not equivalent to functional evidence. To our knowledge, this variant has not been reported in the literature. This variant is reported in 0.00088% of alleles in individuals of European (Non-Finnish) descent in gnomAD. At this time, the clinical significance of this variant is uncertain due to the absence of conclusive functional and genetic evidence.

NM_033028.5(BBS4):c.76+5_76+6del

Gene: BBS4 (Bardet-Biedl syndrome 4; plus strand). Cytogenetic location: 15q24.1.
Variant type: Deletion.
Coding change: c.76+5_76+6del on transcript NM_033028.5 (MANE Select); bases 5 to 6 of the intron after coding-DNA position 76, 2 bases deleted (GT; older notation c.76+5_76+6delGT).
Molecular consequence: intron variant.
Genome position (GRCh38, 1-based): chr15:72,695,233-72,695,234, GT deleted; deleting any 2 consecutive bases within chr15:72,695,232-72,695,234 gives the same sequence; the c. name uses the placement nearest the transcript's 3' end. VCF-style (leftmost placement, unchanged base first): chr15-72695231-CTG-C. GRCh37 (hg19) VCF-style: chr15-72987572-CTG-C.
Other names: c.76+5_76+6del (NM_001320665.2); c.-446+8982_-446+8983del (NM_001252678.2).
Identifiers: ClinVar variation 4984269 (VCV004984269.1).